The following is an entry in ClinVar:

NM_022765.4(MICAL1):c.2581+1G>A

Gene: MICAL1 (microtubule associated monooxygenase, calponin and LIM domain containing 1; minus strand). Cytogenetic location: 6q21.
Variant type: single nucleotide variant.
Coding change: c.2581+1G>A on transcript NM_022765.4 (MANE Select); the canonical splice donor site of the intron after coding-DNA position 2581, G replaced by A.
Molecular consequence: splice donor variant.
Genome position (GRCh38, 1-based): chr6:109,446,135, C>T on the plus strand (G>A on the coding strand, the complement: MICAL1 is on the minus strand). VCF-style: chr6-109446135-C-T. GRCh37 (hg19) VCF-style: chr6-109767338-C-T.
Other names: c.2638+1G>A (NM_001286613.2); c.2323+1G>A (NM_001159291.2).
Identifiers: ClinVar variation 2992803 (VCV002992803.3), dbSNP rs764811138, ClinGen allele CA3952855.

ClinVar aggregate classification (germline): Uncertain significance (1 of 4 stars; one submission).

Allele frequency attached by ClinVar (database versions not stated): TOPMed 0.00002; ExAC 0.00001; gnomAD 0.00001; gnomAD exomes 0.00001.
gnomAD v4.1: 15 of 1,447,654 alleles (0.001%); highest among the groups gnomAD compares: Non-Finnish European, 0.0014%; no homozygotes.

Submission:

Labcorp Genetics (formerly Invitae), Labcorp
Classification: Uncertain significance. Last evaluated: 2025-11-27. Review status: criteria provided, single submitter. Criteria: Invitae Variant Classification Sherloc (09022015). Collection method: clinical testing. Allele origin: germline.
Comment: This sequence change affects a donor splice site in intron 19 of the MICAL1 gene. It is expected to disrupt RNA splicing. Variants that disrupt the donor or acceptor splice site typically lead to a loss of protein function (PMID: 16199547), however the current clinical and genetic evidence is not sufficient to establish whether loss-of-function variants in MICAL1 cause disease. This variant is present in population databases (rs764811138, gnomAD 0.002%). This variant has not been reported in the literature in individuals affected with MICAL1-related conditions. ClinVar contains an entry for this variant (Variation ID: 2992803). Algorithms developed to predict the effect of sequence changes on RNA splicing suggest that this variant may disrupt the consensus splice site. In summary, the available evidence is currently insufficient to determine the role of this variant in disease. Therefore, it has been classified as a Variant of Uncertain Significance.

Literature cited by the submitters: PubMed 16199547.